The following is an entry in ClinVar:

ClinVar aggregate classification (germline): Likely benign. Review status: criteria provided, multiple submitters, no conflicts (2 of 4 stars). 2 submissions from 2 submitters: Likely benign (2). Last evaluated 2023-12-11.

Conditions:
Spastic paraplegia. Identifiers: MedGen C0037772, HP:0001258.

Allele frequency attached by ClinVar (database versions not stated): ExAC 0.00001; gnomAD 0.00001; gnomAD exomes 0.00001.
gnomAD v4.1: 4 of 1,614,052 alleles (0.00025%); highest among the groups gnomAD compares: East Asian, 0.0022%; no homozygotes.

Submissions (2):

Labcorp Genetics (formerly Invitae), Labcorp
Classification: Likely benign for Spastic paraplegia. Last evaluated: 2023-12-11. Review status: criteria provided, single submitter. Criteria: Invitae Variant Classification Sherloc (09022015). Collection method: clinical testing. Allele origin: germline.

CeGaT Center for Human Genetics Tuebingen
Classification: Likely benign. Last evaluated: 2022-09-01. Review status: criteria provided, single submitter. Criteria: CeGaT Center For Human Genetics Tuebingen Variant Classification Criteria Version 2. Collection method: clinical testing. Allele origin: germline. Affected: yes. Observed: 1 variant allele.
Comment: KIF5A: BP4, BP7

NM_004984.4(KIF5A):c.1938C>T (p.Tyr646=)

Gene: KIF5A (kinesin family member 5A; plus strand). Cytogenetic location: 12q13.3.
Variant type: single nucleotide variant.
Coding change: c.1938C>T on transcript NM_004984.4 (MANE Select); coding-DNA position 1938, C replaced by T.
Protein change: p.Tyr646=; no amino-acid change (tyrosine 646 retained).
Molecular consequence: synonymous variant.
Genome position (GRCh38, 1-based): chr12:57,575,672, C>T. VCF-style: chr12-57575672-C-T. GRCh37 (hg19) VCF-style: chr12-57969455-C-T.
Other names: c.1671C>T, p.Tyr557= (NM_001354705.2).
Identifiers: ClinVar variation 1711348 (VCV001711348.33), dbSNP rs757530547, ClinGen allele CA6652948.